The following is an entry in ClinVar:

NM_001267727.2(ARSG):c.195T>A (p.Asp65Glu)

Gene: ARSG (arylsulfatase G; plus strand). Cytogenetic location: 17q24.2.
Variant type: single nucleotide variant.
Coding change: c.195T>A on transcript NM_001267727.2 (MANE Select); coding-DNA position 195, T replaced by A.
Protein change: p.Asp65Glu; replaces aspartic acid 65 with glutamic acid.
Molecular consequence: missense variant.
Genome position (GRCh38, 1-based): chr17:68,307,688, T>A. VCF-style: chr17-68307688-T-A. GRCh37 (hg19) VCF-style: chr17-66303829-T-A.
Other names: c.195T>A, p.Asp65Glu (NM_001352899.2, NM_001352900.2, NM_001352901.2 and 9 more transcripts); short protein forms D65E.
Identifiers: ClinVar variation 855006 (VCV000855006.10), dbSNP rs138635679, ClinGen allele CA8728120.
Genomic context (GRCh38, chr17:68,307,688, plus strand): 5'-CATGGGGTGGGGTGACCTGGGAGCAAACTGGGCAGAAACAAAGGACACTGCCAACCTTGA[T>A]AAGATGGCTTCGGAGGGAATGAGGTGAGTCTTGAGATGCCAGGCCAGCCTTTCTTTGGAT-3'
Protein context (NP_001254656.1, residues 55-75): WAETKDTANL[Asp65Glu]KMASEGMRFV

ClinVar aggregate classification (germline): Uncertain significance. Review status: criteria provided, multiple submitters, no conflicts (2 of 4 stars). 2 submissions from 2 submitters: Uncertain significance (2). Last evaluated 2024-07-08.

Allele frequency attached by ClinVar (database versions not stated): TOPMed 0.00002; gnomAD 0.00003 and 0.00004; gnomAD exomes 0.00004 and 0.00005; ESP Exome Variant Server 0.00015; ExAC 0.00002.
gnomAD v4.1: 69 of 1,592,292 alleles (0.0043%); highest among the groups gnomAD compares: Non-Finnish European, 0.0055%; no homozygotes.

Submissions (2):

Blueprint Genetics
Classification: Uncertain significance. Last evaluated: 2024-07-08. Review status: criteria provided, single submitter. Criteria: ACMG Guidelines, 2015. Collection method: clinical testing. Allele origin: germline.

Labcorp Genetics (formerly Invitae), Labcorp
Classification: Uncertain significance. Last evaluated: 2019-12-20. Review status: criteria provided, single submitter. Criteria: Invitae Variant Classification Sherloc (09022015). Collection method: clinical testing. Allele origin: germline.
Comment: In summary, the available evidence is currently insufficient to determine the role of this variant in disease. Therefore, it has been classified as a Variant of Uncertain Significance. Algorithms developed to predict the effect of missense changes on protein structure and function are either unavailable or do not agree on the potential impact of this missense change (SIFT: "Deleterious"; PolyPhen-2: "Possibly Damaging"; Align-GVGD: "Class C0"). This variant has not been reported in the literature in individuals with ARSG-related conditions. This variant is present in population databases (rs138635679, ExAC 0.005%). This sequence change replaces aspartic acid with glutamic acid at codon 65 of the ARSG protein (p.Asp65Glu). The aspartic acid residue is moderately conserved and there is a small physicochemical difference between aspartic acid and glutamic acid.